The following is an entry in ClinVar:

ClinVar aggregate classification (germline): Uncertain significance (1 of 4 stars; one submission).

Conditions:
Idiopathic generalized epilepsy. Also called: Generalised epilepsy; EIG. Identifiers: MedGen C0270850, MONDO:0005579, OMIM 600669.

Submission:

Labcorp Genetics (formerly Invitae), Labcorp
Classification: Uncertain significance for Idiopathic generalized epilepsy. Last evaluated: 2022-02-03. Review status: criteria provided, single submitter. Criteria: Invitae Variant Classification Sherloc (09022015). Collection method: clinical testing. Allele origin: germline.
Comment: This sequence change replaces alanine, which is neutral and non-polar, with threonine, which is neutral and polar, at codon 187 of the RBFOX1 protein (p.Ala187Thr). This variant is not present in population databases (gnomAD no frequency). This variant has not been reported in the literature in individuals affected with RBFOX1-related conditions. ClinVar contains an entry for this variant (Variation ID: 1037632). Algorithms developed to predict the effect of missense changes on protein structure and function output the following: SIFT: "Tolerated"; PolyPhen-2: "Benign"; Align-GVGD: "Class C0". The threonine amino acid residue is found in multiple mammalian species, which suggests that this missense change does not adversely affect protein function. In summary, the available evidence is currently insufficient to determine the role of this variant in disease. Therefore, it has been classified as a Variant of Uncertain Significance.

NM_018723.4(RBFOX1):c.499G>A (p.Ala167Thr)

Gene: RBFOX1 (RNA binding fox-1 homolog 1; plus strand). Cytogenetic location: 16p13.3.
Variant type: single nucleotide variant.
Coding change: c.499G>A on transcript NM_018723.4 (MANE Select); coding-DNA position 499, G replaced by A.
Protein change: p.Ala167Thr; replaces alanine 167 with threonine.
Molecular consequence: missense variant.
Genome position (GRCh38, 1-based): chr16:7,595,579, G>A. VCF-style: chr16-7595579-G-A. GRCh37 (hg19) VCF-style: chr16-7645581-G-A.
Other names: c.499G>A, p.Ala167Thr (NM_001142333.2, NM_001142334.2, NM_001364800.2); c.628G>A, p.Ala210Thr (NM_001308117.1); c.559G>A, p.Ala187Thr (NM_145891.3, NM_145892.3, NM_145893.3); short protein forms A167T, A187T, A210T.
Identifiers: ClinVar variation 1037632 (VCV001037632.9), dbSNP rs2094642843, ClinGen allele CA394682859.